The following is an entry in ClinVar:

ClinVar aggregate classification (germline): Uncertain significance. Review status: criteria provided, multiple submitters, no conflicts (2 of 4 stars). 3 submissions from 3 submitters: Uncertain significance (3). Last evaluated 2026-04-15.

Conditions:
Juvenile polyposis syndrome (JPS). Identifiers: Orphanet 2929, MedGen C0345893, MONDO:0017380, OMIM 174900.
Hereditary cancer-predisposing syndrome. Also called: Tumor predisposition; Hereditary neoplastic syndrome; Neoplastic Syndromes, Hereditary; Hereditary Cancer Syndrome. Identifiers: Orphanet 140162, MedGen C0027672, MeSH D009386, MONDO:0015356.
Pulmonary arterial hypertension. Identifiers: Orphanet 182090, MedGen C2973725, MeSH D000081029, MONDO:0015924, HP:0002092.

Submissions (3):

Ambry Genetics
Classification: Uncertain significance for Hereditary cancer-predisposing syndrome. Last evaluated: 2026-04-15. Review status: criteria provided, single submitter. Criteria: Ambry Variant Classification Scheme 2023. Collection method: clinical testing. Allele origin: germline.
Comment: The p.G251D variant (also known as c.752G>A), located in coding exon 7 of the BMPR1A gene, results from a G to A substitution at nucleotide position 752. The glycine at codon 251 is replaced by aspartic acid, an amino acid with similar properties. This amino acid position is highly conserved in available vertebrate species. In addition, this alteration is predicted to be deleterious by in silico analysis. Based on the available evidence, the clinical significance of this variant remains unclear.

Department of Pathology and Laboratory Medicine, Sinai Health System
Classification: Uncertain significance for pulmonary arterial hypertension. Last evaluated: 2024-08-20. Review status: criteria provided, single submitter. Criteria: ACMG Guidelines, 2015. Collection method: clinical testing. Allele origin: germline.

Labcorp Genetics (formerly Invitae), Labcorp
Classification: Uncertain significance for Juvenile polyposis syndrome. Last evaluated: 2022-05-26. Review status: criteria provided, single submitter. Criteria: Invitae Variant Classification Sherloc (09022015). Collection method: clinical testing. Allele origin: germline.
Comment: In summary, the available evidence is currently insufficient to determine the role of this variant in disease. Therefore, it has been classified as a Variant of Uncertain Significance. Advanced modeling of protein sequence and biophysical properties (such as structural, functional, and spatial information, amino acid conservation, physicochemical variation, residue mobility, and thermodynamic stability) performed at Invitae indicates that this missense variant is expected to disrupt BMPR1A protein function. ClinVar contains an entry for this variant (Variation ID: 482885). This sequence change replaces glycine, which is neutral and non-polar, with aspartic acid, which is acidic and polar, at codon 251 of the BMPR1A protein (p.Gly251Asp). This variant is not present in population databases (gnomAD no frequency). This variant has not been reported in the literature in individuals affected with BMPR1A-related conditions.

NM_004329.3(BMPR1A):c.752G>A (p.Gly251Asp)

Gene: BMPR1A (bone morphogenetic protein receptor type 1A; plus strand). Cytogenetic location: 10q23.2.
Variant type: single nucleotide variant.
Coding change: c.752G>A on transcript NM_004329.3 (MANE Select); coding-DNA position 752, G replaced by A.
Protein change: p.Gly251Asp; replaces glycine 251 with aspartic acid.
Molecular consequence: missense variant.
Genome position (GRCh38, 1-based): chr10:86,917,210, G>A. VCF-style: chr10-86917210-G-A. GRCh37 (hg19) VCF-style: chr10-88676967-G-A.
Other names: short protein forms G251D.
Identifiers: ClinVar variation 482885 (VCV000482885.12), dbSNP rs1554890768, ClinGen allele CA377457564.